The following is an entry in ClinVar:

ClinVar aggregate classification (germline): Likely benign. Review status: criteria provided, single submitter (1 of 4 stars). 2 submissions from 2 submitters: Likely benign (1). 1 of the submissions does not count toward it. Last evaluated 2020-05-05.

Conditions:
ABCC8-related disorder.

Submissions (2):

Labcorp Genetics (formerly Invitae), Labcorp
Classification: Likely benign. Last evaluated: 2020-05-05. Review status: criteria provided, single submitter. Criteria: Invitae Variant Classification Sherloc (09022015). Collection method: clinical testing. Allele origin: germline.

PreventionGenetics, part of Exact Sciences
Classification: Likely benign for ABCC8-related condition. Last evaluated: 2021-02-20. Review status: no assertion criteria provided. Collection method: clinical testing. Allele origin: germline. Not counted in ClinVar's aggregate classification.
Comment: This variant is classified as likely benign based on ACMG/AMP sequence variant interpretation guidelines (Richards et al. 2015 PMID: 25741868, with internal and published modifications).

NM_000352.6(ABCC8):c.3867+7G>C

Gene: ABCC8 (ATP binding cassette subfamily C member 8; minus strand). Cytogenetic location: 11p15.1.
Variant type: single nucleotide variant.
Coding change: c.3867+7G>C on transcript NM_000352.6 (MANE Select); 7 bases into the intron after coding-DNA position 3867, G replaced by C.
Molecular consequence: intron variant.
Genome position (GRCh38, 1-based): chr11:17,397,677, C>G on the plus strand (G>C on the coding strand, the complement: ABCC8 is on the minus strand). VCF-style: chr11-17397677-C-G. GRCh37 (hg19) VCF-style: chr11-17419224-C-G.
Other names: c.3864+7G>C (NM_001351297.2); c.3867+7G>C (NM_001351296.2, NM_000352.4); c.3933+7G>C (NM_001351295.2); c.3870+7G>C (NM_001287174.3).
Identifiers: ClinVar variation 1092255 (VCV001092255.11), dbSNP rs372198547, ClinGen allele CA2499220816.